The following is an entry in ClinVar:

NM_198576.4(AGRN):c.2473C>T (p.Arg825Cys)

Gene: AGRN (agrin; plus strand). Cytogenetic location: 1p36.33.
Variant type: single nucleotide variant.
Coding change: c.2473C>T on transcript NM_198576.4 (MANE Select); coding-DNA position 2473, C replaced by T.
Protein change: p.Arg825Cys; replaces arginine 825 with cysteine.
Molecular consequence: missense variant.
Genome position (GRCh38, 1-based): chr1:1,045,460, C>T. VCF-style: chr1-1045460-C-T. GRCh37 (hg19) VCF-style: chr1-980840-C-T.
Other names: c.2473C>T, p.Arg825Cys (NM_001305275.2); c.2158C>T, p.Arg720Cys (NM_001364727.2); c.2473C>T (LRG_198t1, NM_198576.3); short protein forms R825C, R720C.
Identifiers: ClinVar variation 210107 (VCV000210107.12), dbSNP rs370387335, ClinGen allele CA208032.

ClinVar aggregate classification (germline): Uncertain significance. Review status: criteria provided, multiple submitters, no conflicts (2 of 4 stars). 3 submissions from 3 submitters: Uncertain significance (3). Last evaluated 2025-12-03.

Conditions:
Inborn genetic diseases. Identifiers: MedGen C0950123, MeSH D030342.
Congenital myasthenic syndrome 8. Also called: Myasthenic syndrome, congenital, 8, with pre- and postsynaptic defects; MYASTHENIC SYNDROME, CONGENITAL, DUE TO AGRIN DEFICIENCY. Identifiers: Orphanet 590, MedGen C3808739, MONDO:0014052, OMIM 615120.

Allele frequency attached by ClinVar (database versions not stated): gnomAD 0.00007 and 0.00006; 1000 Genomes Project 0.00020; TOPMed 0.00010; ESP Exome Variant Server 0.00023; gnomAD exomes 0.00004; ExAC 0.00006; 1000 Genomes Project 30x 0.00016.

Submissions (3):

Ambry Genetics
Classification: Uncertain significance for Inborn genetic diseases. Last evaluated: 2025-12-03. Review status: criteria provided, single submitter. Criteria: Ambry Variant Classification Scheme 2023. Collection method: clinical testing. Allele origin: germline.

Labcorp Genetics (formerly Invitae), Labcorp
Classification: Uncertain significance for Congenital myasthenic syndrome 8. Last evaluated: 2022-07-19. Review status: criteria provided, single submitter. Criteria: Invitae Variant Classification Sherloc (09022015). Collection method: clinical testing. Allele origin: germline.
Comment: This sequence change replaces arginine, which is basic and polar, with cysteine, which is neutral and slightly polar, at codon 825 of the AGRN protein (p.Arg825Cys). This variant is present in population databases (rs370387335, gnomAD 0.04%). This variant has not been reported in the literature in individuals affected with AGRN-related conditions. ClinVar contains an entry for this variant (Variation ID: 210107). Algorithms developed to predict the effect of missense changes on protein structure and function are either unavailable or do not agree on the potential impact of this missense change (SIFT: "Deleterious"; PolyPhen-2: "Possibly Damaging"; Align-GVGD: "Class C0"). In summary, the available evidence is currently insufficient to determine the role of this variant in disease. Therefore, it has been classified as a Variant of Uncertain Significance.

Genetic Services Laboratory, University of Chicago
Classification: Uncertain significance. Last evaluated: 2015-01-14. Review status: criteria provided, single submitter. Criteria: ACMG Guidelines, 2015. Collection method: clinical testing. Allele origin: germline.